The following is an entry in ClinVar:

NM_004360.5(CDH1):c.697C>G (p.His233Asp)

Gene: CDH1 (cadherin 1; plus strand). Cytogenetic location: 16q22.1.
Variant type: single nucleotide variant.
Coding change: c.697C>G on transcript NM_004360.5 (MANE Select); coding-DNA position 697, C replaced by G.
Protein change: p.His233Asp; replaces histidine 233 with aspartic acid.
Molecular consequence: missense variant. On other transcripts: 5 prime UTR variant (2).
Genome position (GRCh38, 1-based): chr16:68,810,206, C>G. VCF-style: chr16-68810206-C-G. GRCh37 (hg19) VCF-style: chr16-68844109-C-G.
Other names: c.697C>G, p.His233Asp (NM_001317184.2); c.-919C>G (NM_001317185.2); c.-1123C>G (NM_001317186.2); short protein forms H233D.
Identifiers: ClinVar variation 5033915 (VCV005033915.1).

ClinVar aggregate classification (germline): Uncertain significance (1 of 4 stars; one submission).

Conditions:
Hereditary cancer-predisposing syndrome. Also called: Neoplastic Syndromes, Hereditary; Tumor predisposition; Hereditary neoplastic syndrome; Hereditary Cancer Syndrome. Identifiers: Orphanet 140162, MedGen C0027672, MeSH D009386, MONDO:0015356.

Submission:

Ambry Genetics
Classification: Uncertain significance for Hereditary cancer-predisposing syndrome. Last evaluated: 2026-07-06. Review status: criteria provided, single submitter. Criteria: Ambry Variant Classification Scheme 2023. Collection method: clinical testing. Allele origin: germline.
Comment: The p.H233D variant (also known as c.697C>G), located in coding exon 6 of the CDH1 gene, results from a C to G substitution at nucleotide position 697. The histidine at codon 233 is replaced by aspartic acid, an amino acid with similar properties. This amino acid position is conserved. In addition, the in silico prediction for this alteration is inconclusive. Based on the available evidence, the clinical significance of this variant remains unclear.